The following is an entry in ClinVar:

ClinVar aggregate classification (germline): Uncertain significance (1 of 4 stars; one submission).

Conditions:
Primary ciliary dyskinesia. Also called: Ciliary dyskinesia. Identifiers: Orphanet 244, MedGen C0008780, MONDO:0016575, HP:0012265.

Allele frequency attached by ClinVar (database versions not stated): gnomAD 0.00001.
gnomAD v4.1: 2 of 626,610 alleles (0.00032%); highest among the groups gnomAD compares: Non-Finnish European, 0.00027%; no homozygotes.

Submission:

Labcorp Genetics (formerly Invitae), Labcorp
Classification: Uncertain significance for Primary ciliary dyskinesia. Last evaluated: 2024-10-16. Review status: criteria provided, single submitter. Criteria: Invitae Variant Classification Sherloc (09022015). Collection method: clinical testing. Allele origin: germline.
Comment: This sequence change replaces alanine, which is neutral and non-polar, with valine, which is neutral and non-polar, at codon 290 of the DNAAF3 protein (p.Ala290Val). This variant is not present in population databases (gnomAD no frequency). This variant has not been reported in the literature in individuals affected with DNAAF3-related conditions. ClinVar contains an entry for this variant (Variation ID: 1442827). An algorithm developed to predict the effect of missense changes on protein structure and function (PolyPhen-2) suggests that this variant¬†is likely to be tolerated. In summary, the available evidence is currently insufficient to determine the role of this variant in disease. Therefore, it has been classified as a Variant of Uncertain Significance.

NM_001256715.2(DNAAF3):c.665C>T (p.Ala222Val)

Genes: DNAAF3 (dynein axonemal assembly factor 3; minus strand), DNAAF3-AS1 (DNAAF3 antisense RNA 1; plus strand). Cytogenetic location: 19q13.42.
Variant type: single nucleotide variant.
Coding change: c.665C>T on transcript NM_001256715.2 (MANE Select); coding-DNA position 665, C replaced by T.
Protein change: p.Ala222Val; replaces alanine 222 with valine.
Molecular consequence: missense variant.
Genome position (GRCh38, 1-based): chr19:55,161,417, G>A on the plus strand (C>T on the coding strand, the complement: DNAAF3 is on the minus strand). VCF-style: chr19-55161417-G-A. GRCh37 (hg19) VCF-style: chr19-55672785-G-A.
Other names: c.869C>T, p.Ala290Val (NM_001256714.1); c.503C>T, p.Ala168Val (NM_001256716.2); c.806C>T, p.Ala269Val (NM_178837.4); short protein forms A168V, A290V, A222V, A269V.
Identifiers: ClinVar variation 1442827 (VCV001442827.5), dbSNP rs866731630, ClinGen allele CA310153739.